The following is an entry in ClinVar:

NM_006231.4(POLE):c.125A>C (p.Asp42Ala)

Gene: POLE (DNA polymerase epsilon, catalytic subunit; minus strand). Cytogenetic location: 12q24.33.
Variant type: single nucleotide variant.
Coding change: c.125A>C on transcript NM_006231.4 (MANE Select); coding-DNA position 125, A replaced by C.
Protein change: p.Asp42Ala; replaces aspartic acid 42 with alanine.
Molecular consequence: missense variant.
Genome position (GRCh38, 1-based): chr12:132,681,217, T>G on the plus strand (A>C on the coding strand, the complement: POLE is on the minus strand). VCF-style: chr12-132681217-T-G. GRCh37 (hg19) VCF-style: chr12-133257803-T-G.
Other names: short protein forms D42A.
Identifiers: ClinVar variation 566798 (VCV000566798.8), dbSNP rs749886101, ClinGen allele CA6894437.

ClinVar aggregate classification (germline): Uncertain significance (1 of 4 stars; one submission).

gnomAD v4.1: 3 of 1,614,214 alleles (0.00019%); no homozygotes.

Submission:

Labcorp Genetics (formerly Invitae), Labcorp
Classification: Uncertain significance. Last evaluated: 2025-12-09. Review status: criteria provided, single submitter. Criteria: Invitae Variant Classification Sherloc (09022015). Collection method: clinical testing. Allele origin: germline.
Comment: This sequence change replaces aspartic acid, which is acidic and polar, with alanine, which is neutral and non-polar, at codon 42 of the POLE protein (p.Asp42Ala). This variant is present in population databases (rs749886101, gnomAD 0.02%). This variant has not been reported in the literature in individuals affected with POLE-related conditions. ClinVar contains an entry for this variant (Variation ID: 566798). Invitae Evidence Modeling of protein sequence and biophysical properties (such as structural, functional, and spatial information, amino acid conservation, physicochemical variation, residue mobility, and thermodynamic stability) indicates that this missense variant is not expected to disrupt POLE protein function with a negative predictive value of 80%. In summary, the available evidence is currently insufficient to determine the role of this variant in disease. Therefore, it has been classified as a Variant of Uncertain Significance.